The following is an entry in ClinVar:

NM_007294.4(BRCA1):c.2868del (p.Gln957fs)

Gene: BRCA1 (BRCA1 DNA repair associated; minus strand). Cytogenetic location: 17q21.31.
Variant type: Deletion.
Coding change: c.2868del on transcript NM_007294.4 (MANE Select); coding-DNA position 2868, one base deleted (T; older notation c.2868delT).
Protein change: p.Gln957fs; shifts the reading frame from glutamine 957.
Molecular consequence: frameshift variant. On other transcripts: intron variant (137).
Genome position (GRCh38, 1-based): chr17:43,092,663, A deleted on the plus strand (T on the coding strand, the reverse complement: BRCA1 is on the minus strand). VCF-style (leftmost placement, unchanged base first): chr17-43092662-GA-G. GRCh37 (hg19) VCF-style: chr17-41244679-GA-G.
Other names: 2987delT; c.2655del, p.Gln886fs (NM_001407897.1, NM_001407898.1, NM_001407899.1 and 9 more transcripts); c.2658del, p.Gln887fs (NM_001407900.1, NM_001407902.1, NM_001407904.1 and 13 more transcripts); c.2745del, p.Gln916fs (NM_001407919.1, NM_001407937.1, NM_001407938.1 and 19 more transcripts); c.2604del, p.Gln869fs (NM_001407920.1, NM_001407921.1, NM_001407922.1 and 9 more transcripts); c.2601del, p.Gln868fs (NM_001407930.1, NM_001407931.1, NM_001407932.1 and 2 more transcripts); c.2742del, p.Gln915fs (NM_001407940.1, NM_001407941.1, NM_001407649.1 and 11 more transcripts); c.2727del, p.Gln910fs (NM_001407942.1, NM_001407944.1, NM_001407945.1 and 29 more transcripts); and 42 more; short protein forms Q910fs, Q957fs, Q830fs, Q868fs, Q890fs, Q931fs, Q829fs, Q845fs.
Identifiers: ClinVar variation 125593 (VCV000125593.23), dbSNP rs80357929, ClinGen allele CA001868.
Genomic context (GRCh38, chr17:43,092,662, plus strand): 5'-GGTTTTGTAAAAGTCCATGTTTATTTGGAGTAATGAGTCCAGTTTCGTTGCCTCTGAACT[GA>G]GATGATAGACAAAACCTAGAGCCTCCTTTGATACTACATTTGGCATTATCAACTGGCTTA-3'

ClinVar aggregate classification (germline): Pathogenic. Review status: reviewed by expert panel (3 of 4 stars). 6 submissions from 6 submitters: Pathogenic (1). 5 of the submissions do not count toward it. Last evaluated 2016-09-08.

Conditions:
Hereditary breast ovarian cancer syndrome. Also called: Hereditary breast and/or ovarian cancer syndrome; Breast and ovarian cancer; Hereditary breast and ovarian cancer syndrome; Hereditary breast and ovarian cancer; Hereditary breast and ovarian cancer syndrome (HBOC); BRCA1- and BRCA2-Associated Hereditary Breast and Ovarian Cancer. Identifiers: Orphanet 145, MedGen C0677776, MeSH D061325, MONDO:0003582. Disease mechanism: loss of function.
Breast-ovarian cancer, familial, susceptibility to, 1 (BROVCA1). Also called: BRCA1 Hereditary Breast and Ovarian Cancer; OVARIAN CANCER, SUSCEPTIBILITY TO. Identifiers: Orphanet 145, MedGen C2676676, MONDO:0011450, OMIM 604370. Disease mechanism: loss of function.

Submissions (6):

Evidence-based Network for the Interpretation of Germline Mutant Alleles (ENIGMA)
Classification: Pathogenic for Breast-ovarian cancer, familial, susceptibility to, 1. Last evaluated: 2016-09-08. Review status: reviewed by expert panel. Criteria: ENIGMA BRCA1/2 Classification Criteria (2015). Collection method: curation. Allele origin: germline.
Comment: Variant allele predicted to encode a truncated non-functional protein.

Labcorp Genetics (formerly Invitae), Labcorp
Classification: Pathogenic for Hereditary breast ovarian cancer syndrome. Last evaluated: 2024-09-04. Review status: criteria provided, single submitter. Criteria: Invitae Variant Classification Sherloc (09022015). Collection method: clinical testing. Allele origin: germline. Not counted in ClinVar's aggregate classification.
Comment: This sequence change creates a premature translational stop signal (p.Gln957Serfs*43) in the BRCA1 gene. It is expected to result in an absent or disrupted protein product. Loss-of-function variants in BRCA1 are known to be pathogenic (PMID: 20104584). This variant is not present in population databases (gnomAD no frequency). This premature translational stop signal has been observed in individual(s) with endometrial and breast cancer (PMID: 10923033, 21520333, 26845104). ClinVar contains an entry for this variant (Variation ID: 125593). For these reasons, this variant has been classified as Pathogenic.

Women's Health and Genetics/Laboratory Corporation of America, LabCorp
Classification: Pathogenic for Hereditary breast ovarian cancer syndrome. Last evaluated: 2017-06-22. Review status: criteria provided, single submitter. Criteria: LabCorp Variant Classification Summary - May 2015. Collection method: clinical testing. Allele origin: germline. Not counted in ClinVar's aggregate classification.
Comment: Variant summary: The BRCA1 c.2868delT (p.Gln957Serfs) variant results in a premature termination codon, predicted to cause a truncated or absent BRCA1 protein due to nonsense mediated decay, which are commonly known mechanisms for disease. Truncations downstream of this position have been classified as pathogenic by our laboratory (e.g. p.Arg1751X, p.Gln1779X, p.Ser1796X, etc.). This variant is absent in 121346 control chromosomes from ExAC. In addition, multiple clinical diagnostic laboratories/reputable databases classified this variant as pathogenic. This variant has been reported in at least two HBOC patients in literature (Judkins_2005, Shirts_2016). Taken together, this variant is classified as pathogenic.

University of Washington Department of Laboratory Medicine, University of Washington
Classification: Pathogenic for Breast-ovarian cancer, familial, susceptibility to, 1. Last evaluated: 2015-11-20. Review status: criteria provided, single submitter. Criteria: Shirts et al. (Genet Med 2016). Collection method: clinical testing. Allele origin: germline. Affected: yes. Observed: 1 variant allele. Not counted in ClinVar's aggregate classification.

Consortium of Investigators of Modifiers of BRCA1/2 (CIMBA), c/o University of Cambridge
Classification: Pathogenic for Breast-ovarian cancer, familial, susceptibility to, 1. Last evaluated: 2015-10-02. Review status: criteria provided, single submitter. Criteria: CIMBA Mutation Classification guidelines May 2016. Collection method: clinical testing. Allele origin: germline. Not counted in ClinVar's aggregate classification.

Breast Cancer Information Core (BIC) (BRCA1)
Classification: Pathogenic for Breast-ovarian cancer, familial 1. Last evaluated: 2001-10-29. Review status: no assertion criteria provided. Collection method: clinical testing. Allele origin: germline. Affected: yes. Observed: 1 variant allele. Not counted in ClinVar's aggregate classification.

Literature cited by the submitters: PubMed 20104584 (cited by Labcorp Genetics (formerly Invitae), Labcorp); PubMed 10923033 (cited by Labcorp Genetics (formerly Invitae), Labcorp); PubMed 21520333 (cited by Labcorp Genetics (formerly Invitae), Labcorp); PubMed 26845104 (cited by Labcorp Genetics (formerly Invitae), Labcorp and Women's Health and Genetics/Laboratory Corporation of America, LabCorp); PubMed 16267036 (cited by Women's Health and Genetics/Laboratory Corporation of America, LabCorp).